The following is an entry in ClinVar:

ClinVar aggregate classification (germline): Benign/Likely benign. Review status: criteria provided, multiple submitters, no conflicts (2 of 4 stars). 8 submissions from 8 submitters: Benign (4); Likely benign (2). 2 of the submissions do not count toward it. Last evaluated 2026-06-01.

Conditions:
Upshaw-Schulman syndrome (TTP). Also called: Congenital thrombotic thrombocytopenic purpura; THROMBOTIC THROMBOCYTOPENIC PURPURA, HEREDITARY. Identifiers: Orphanet 93583, MedGen C1268935, MONDO:0010122, OMIM 274150.
Thrombotic thrombocytopenic purpura. Also called: Moschowitz syndrome; Moschkowitz Disease. Identifiers: Orphanet 54057, MedGen C0034155, MONDO:0018896.

Allele frequency attached by ClinVar (database versions not stated): ESP Exome Variant Server 0.00008; gnomAD exomes 0.00072 and 0.00185; gnomAD 0.00076 and 0.00105; TOPMed 0.00093; ExAC 0.00191; 1000 Genomes Project 30x 0.00609; 1000 Genomes Project 0.00639.
gnomAD v4.1: 1,298 of 1,605,544 alleles (0.081%); highest among the groups gnomAD compares: East Asian, 2.3%; 20 homozygotes.

Submissions (8):

CeGaT Center for Human Genetics Tuebingen
Classification: Likely benign. Last evaluated: 2026-06-01. Review status: criteria provided, single submitter. Criteria: CeGaT Center For Human Genetics Tuebingen Variant Classification Criteria Version 2. Collection method: clinical testing. Allele origin: germline. Affected: yes. Observed: 1 variant allele.
Comment: ADAMTS13: BP4

Labcorp Genetics (formerly Invitae), Labcorp
Classification: Benign. Last evaluated: 2026-01-26. Review status: criteria provided, single submitter. Criteria: Invitae Variant Classification Sherloc (09022015). Collection method: clinical testing. Allele origin: germline.

Department of Pathology and Laboratory Medicine, Sinai Health System
Classification: Likely benign for congenital thrombotic thrombocytopenic purpura. Last evaluated: 2023-10-31. Review status: criteria provided, single submitter. Criteria: ACMG Guidelines, 2015. Collection method: research. Allele origin: germline.

Mayo Clinic Laboratories, Mayo Clinic
Classification: Benign. Last evaluated: 2023-03-02. Review status: criteria provided, single submitter. Criteria: ACMG Guidelines, 2015. Collection method: clinical testing. Allele origin: germline. Observed: 17 variant alleles.
Comment: BS1, BS2

Illumina Laboratory Services, Illumina
Classification: Benign for Upshaw-Schulman syndrome. Last evaluated: 2017-04-27. Review status: criteria provided, single submitter. Criteria: ICSL Variant Classification Criteria 13 December 2019. Collection method: clinical testing. Allele origin: germline.
Comment: This variant was observed as part of a predisposition screen in an ostensibly healthy population. A literature search was performed for the gene, cDNA change, and amino acid change (where applicable). Publications were found based on this search. The evidence from the literature, in combination with allele frequency data from public databases where available, was sufficient to rule this variant out of causing disease. Therefore, this variant is classified as benign.

Breakthrough Genomics
Classification: Benign. Review status: criteria provided, single submitter. Criteria: ACMG Guidelines, 2015. Collection method: not provided. Allele origin: germline. Inheritance: Autosomal recessive inheritance. Affected: yes.

Reproductive Health Research and Development, BGI Genomics
Classification: Benign for Thrombotic thrombocytopenic purpura. Last evaluated: 2020-01-06. Review status: no assertion criteria provided. Collection method: curation. Allele origin: germline. Not counted in ClinVar's aggregate classification.
Comment: NM_139025.3:c.3541G>A in the ADAMTS13 gene has an allele frequency of 0.023 in East Asian subpopulation in the gnomAD database. 7 homozygous occurrences are observed in the gnomAD database. Benign computational verdict because benign predictions from DEOGEN2, EIGEN, FATHMM-MKL, MutationAssessor, MutationTaster and PrimateAI. Taken together, we interprete this variant as Benign/Likely benign variant. ACMG/AMP criteria applied: BS1, BS2, BP4.

Department of Hematology, 303rd Hospital of the People's Liberation Army
Classification: Pathogenic for Thrombotic thrombocytopenic purpura. Last evaluated: 2018-07-01. Review status: no assertion criteria provided. Collection method: clinical testing. Allele origin: maternal. Inheritance: Autosomal recessive inheritance. Affected: yes. Observed: 1 variant allele, 1 compound heterozygote. Not counted in ClinVar's aggregate classification.
Comment: ADAMTS13 is the 13th member of the ADAMTS family of metalloproteases (Zheng X 2001). VWF, the substrate of ADAMTS13, is mainly produced in vascular endothelial cells and released into the plasma as unusually large multimers, which readily undergo ADAMTS13 proteolysis (Moake JL 2002). Recent studies demonstrated an association between pathogenesis and severely reduced activity of a disintegrin-like and metalloprotease with thrombospondin type 1 motif 13 (ADAMTS13) (Furlan M 1998; Tsai HM, 1998). This enzyme specifically cleaves von Willebrand factor (VWF), a glycoprotein necessary for normal hemostasis. Consequently, reduced ADAMTS13 activity has been included in the diagnostic criteria for TTP (George JN 2014). Congenital TTP is attributable to ADAMTS13 gene mutations (Levy GG 2001; Kokame K,2002), whereas acquired TTP develops as a result of anti- ADAMTS13 autoantibody production (Furlan M 1998; Tsai HM 1998). Scores of the mutations for predicting the probability of a damaging mutation using Sorting Tolerant From Intolerant (SIFT) and Polymorphism Phenotyping v2 (PolyPhen-2) were high. The negative effect of the novel ADAMTS13 mutations on the activity of protease was further verified by SELDI-TOF and the activity level of ADAMTS13 was <5% (normal: 68~131%). In summary, the G1181R variant meets our criteria to be classified as pathogenic.

Literature cited by the submitters: PubMed 21676167 (cited by Mayo Clinic Laboratories, Mayo Clinic and Illumina Laboratory Services, Illumina); PubMed 21781265 (cited by Mayo Clinic Laboratories, Mayo Clinic and Illumina Laboratory Services, Illumina); PubMed 34646728 (cited by Mayo Clinic Laboratories, Mayo Clinic); PubMed 23715102 (cited by Illumina Laboratory Services, Illumina); PubMed 24936513 (cited by Illumina Laboratory Services, Illumina).

NM_139027.6(ADAMTS13):c.3400+141G>A

Gene: ADAMTS13 (ADAM metallopeptidase with thrombospondin type 1 motif 13; plus strand). Cytogenetic location: 9q34.2.
Variant type: single nucleotide variant.
Coding change: c.3400+141G>A on transcript NM_139027.6 (MANE Select); 141 bases into the intron after coding-DNA position 3400, G replaced by A.
Molecular consequence: intron variant. On other transcripts: missense variant (1).
Genome position (GRCh38, 1-based): chr9:133,455,576, G>A. VCF-style: chr9-133455576-G-A. GRCh37 (hg19) VCF-style: chr9-136320698-G-A.
Other names: p.Gly1181Arg; c.3541G>A, p.Gly1181Arg (NM_139025.5); c.3307+141G>A (NM_139026.6); short protein forms G1181R.
Identifiers: ClinVar variation 559577 (VCV000559577.22), dbSNP rs192619276, ClinGen allele CA200944303.